The following is an entry in ClinVar:

NM_015466.4(PTPN23):c.3223G>C (p.Ala1075Pro)

Gene: PTPN23 (protein tyrosine phosphatase non-receptor type 23; plus strand). Cytogenetic location: 3p21.31.
Variant type: single nucleotide variant.
Coding change: c.3223G>C on transcript NM_015466.4 (MANE Select); coding-DNA position 3223, G replaced by C.
Protein change: p.Ala1075Pro; replaces alanine 1075 with proline.
Molecular consequence: missense variant.
Genome position (GRCh38, 1-based): chr3:47,411,021, G>C. VCF-style: chr3-47411021-G-C. GRCh37 (hg19) VCF-style: chr3-47452511-G-C.
Other names: c.2845G>C, p.Ala949Pro (NM_001304482.2); c.3223G>C (NM_015466.2); short protein forms A1075P, A949P.
Identifiers: ClinVar variation 1352547 (VCV001352547.5), dbSNP rs781559568, ClinGen allele CA2366227.

ClinVar aggregate classification (germline): Uncertain significance. Review status: criteria provided, multiple submitters, no conflicts (2 of 4 stars). 2 submissions from 2 submitters: Uncertain significance (2). Last evaluated 2024-07-29.

Conditions:
Inborn genetic diseases. Identifiers: MedGen C0950123, MeSH D030342.

Allele frequency attached by ClinVar (database versions not stated): TOPMed 0.00001; ExAC 0.00003; gnomAD exomes 0.00003.
gnomAD v4.1: 4 of 1,593,298 alleles (0.00025%); highest among the groups gnomAD compares: Admixed American, 0.0068%; no homozygotes.

Submissions (2):

Labcorp Genetics (formerly Invitae), Labcorp
Classification: Uncertain significance. Last evaluated: 2024-07-29. Review status: criteria provided, single submitter. Criteria: Invitae Variant Classification Sherloc (09022015). Collection method: clinical testing. Allele origin: germline.
Comment: This sequence change replaces alanine, which is neutral and non-polar, with proline, which is neutral and non-polar, at codon 1075 of the PTPN23 protein (p.Ala1075Pro). This variant is present in population databases (rs781559568, gnomAD 0.02%). This variant has not been reported in the literature in individuals affected with PTPN23-related conditions. ClinVar contains an entry for this variant (Variation ID: 1352547). An algorithm developed to predict the effect of missense changes on protein structure and function (PolyPhen-2) suggests that this variant is likely to be disruptive. In summary, the available evidence is currently insufficient to determine the role of this variant in disease. Therefore, it has been classified as a Variant of Uncertain Significance.

Ambry Genetics
Classification: Uncertain significance for Inborn genetic diseases. Last evaluated: 2022-07-12. Review status: criteria provided, single submitter. Criteria: Ambry Variant Classification Scheme 2023. Collection method: clinical testing. Allele origin: germline.